The following is an entry in ClinVar:

ClinVar aggregate classification (germline): Benign/Likely benign. Review status: criteria provided, multiple submitters, no conflicts (2 of 4 stars). 6 submissions from 6 submitters: Benign (1); Likely benign (5). Last evaluated 2026-05-01.

Conditions:
Parkinson disease 13, autosomal dominant, susceptibility to. Identifiers: Orphanet 2828, MedGen C1853202, MONDO:0012466, OMIM 610297.

Allele frequency attached by ClinVar (database versions not stated): 1000 Genomes Project 0.00040; ESP Exome Variant Server 0.00040; ExAC 0.00116; gnomAD 0.00118 and 0.00121; TOPMed 0.00148.
gnomAD v4.1: 2,044 of 1,592,384 alleles (0.13%); highest among the groups gnomAD compares: Admixed American, 0.18%; 4 homozygotes.

Submissions (6):

CeGaT Center for Human Genetics Tuebingen
Classification: Likely benign. Last evaluated: 2026-05-01. Review status: criteria provided, single submitter. Criteria: CeGaT Center For Human Genetics Tuebingen Variant Classification Criteria Version 2. Collection method: clinical testing. Allele origin: germline. Affected: yes. Observed: 3 variant alleles.
Comment: HTRA2: BP4, BP7

Labcorp Genetics (formerly Invitae), Labcorp
Classification: Likely benign. Last evaluated: 2026-02-01. Review status: criteria provided, single submitter. Criteria: Invitae Variant Classification Sherloc (09022015). Collection method: clinical testing. Allele origin: germline.

Laboratory of Genetics, Children's Clinical University Hospital Latvia
Classification: Benign. Last evaluated: 2025-02-16. Review status: criteria provided, single submitter. Criteria: ACMG Guidelines, 2015. Collection method: clinical testing. Allele origin: germline. Affected: yes.

Blueprint Genetics
Classification: Likely benign. Last evaluated: 2024-10-14. Review status: criteria provided, single submitter. Criteria: ACMG Guidelines, 2015. Collection method: clinical testing. Allele origin: germline.

GeneDx
Classification: Likely benign. Last evaluated: 2020-12-16. Review status: criteria provided, single submitter. Criteria: GeneDx Variant Classification Process June 2021. Collection method: clinical testing. Allele origin: germline. Affected: yes.

Illumina Laboratory Services, Illumina
Classification: Likely benign for Parkinson disease 13, autosomal dominant, susceptibility to. Last evaluated: 2018-01-13. Review status: criteria provided, single submitter. Criteria: ICSL Variant Classification Criteria 13 December 2019. Collection method: clinical testing. Allele origin: germline.
Comment: This variant was observed in the ICSL laboratory as part of a predisposition screen in an ostensibly healthy population. It had not been previously curated by ICSL or reported in the Human Gene Mutation Database (HGMD: prior to June 1st, 2018), and was therefore a candidate for classification through an automated scoring system. Utilizing variant allele frequency, disease prevalence and penetrance estimates, and inheritance mode, an automated score was calculated to assess if this variant is too frequent to cause the disease. Based on the score and internal cut-off values, a variant classified as likely benign is not then subjected to further curation. The score for this variant resulted in a classification of likely benign for this disease.

NM_013247.5(HTRA2):c.354G>A (p.Leu118=)

Gene: HTRA2 (HtrA serine peptidase 2; plus strand). Cytogenetic location: 2p13.1.
Variant type: single nucleotide variant.
Coding change: c.354G>A on transcript NM_013247.5 (MANE Select); coding-DNA position 354, G replaced by A.
Protein change: p.Leu118=; no amino-acid change (leucine 118 retained).
Molecular consequence: synonymous variant. On other transcripts: non-coding transcript variant (1).
Genome position (GRCh38, 1-based): chr2:74,530,360, G>A. VCF-style: chr2-74530360-G-A. GRCh37 (hg19) VCF-style: chr2-74757487-G-A.
Other names: c.354G>A, p.Leu118= (NM_001321727.1, NM_001321728.1, NM_145074.2).
Identifiers: ClinVar variation 727861 (VCV000727861.52), dbSNP rs199735424, ClinGen allele CA1728336.
Genomic context (GRCh38, chr2:74,530,360, plus strand): 5'-CTCTGGAACCCGTTCGCGCGCGTGGCTGGCGGTGGCGCTGGGCGCTGGGGGGGCAGTGCT[G>A]TTGTTGTTGTGGGGCGGGGGTCGGGGTCCTCCGGCCGTCCTCGCCGCCGTCCCTAGCCCG-3'
Protein context (NP_037379.1, residues 108-128): AVALGAGGAV[Leu118=]LLLWGGGRGP